The following is an entry in ClinVar:

NM_000179.3(MSH6):c.1548C>G (p.Ile516Met)

Gene: MSH6 (mutS homolog 6; plus strand). Cytogenetic location: 2p16.3.
Variant type: single nucleotide variant.
Coding change: c.1548C>G on transcript NM_000179.3 (MANE Select); coding-DNA position 1548, C replaced by G.
Protein change: p.Ile516Met; replaces isoleucine 516 with methionine.
Molecular consequence: missense variant.
Genome position (GRCh38, 1-based): chr2:47,799,531, C>G. VCF-style: chr2-47799531-C-G. GRCh37 (hg19) VCF-style: chr2-48026670-C-G.
Other names: c.1158C>G, p.Ile386Met (NM_001281492.2); c.642C>G, p.Ile214Met (NM_001281493.2, NM_001281494.2, NM_001406811.1 and 6 more transcripts); c.1644C>G, p.Ile548Met (NM_001406795.1, NM_001406802.1); c.1548C>G, p.Ile516Met (NM_001406796.1, NM_001406798.1, NM_001406800.1 and 4 more transcripts); c.1251C>G, p.Ile417Met (NM_001406797.1, NM_001406801.1, NM_001406805.1 and 10 more transcripts); c.1023C>G, p.Ile341Met (NM_001406799.1, NM_001406806.1, NM_001406807.1); c.1470C>G, p.Ile490Met (NM_001406804.1); c.1554C>G, p.Ile518Met (NM_001406813.1); and 1 more; short protein forms I386M, I417M, I460M, I341M, I516M, I518M, I548M, I214M.
Identifiers: ClinVar variation 1774970 (VCV001774970.2), dbSNP rs1572723373, ClinGen allele CA346746633.

ClinVar aggregate classification (germline): Uncertain significance (1 of 4 stars; one submission).

Conditions:
Hereditary cancer-predisposing syndrome. Also called: Hereditary Cancer Syndrome; Hereditary neoplastic syndrome; Neoplastic Syndromes, Hereditary; Tumor predisposition. Identifiers: Orphanet 140162, MedGen C0027672, MeSH D009386, MONDO:0015356.

Submission:

Ambry Genetics
Classification: Uncertain significance for Hereditary cancer-predisposing syndrome. Last evaluated: 2022-06-15. Review status: criteria provided, single submitter. Criteria: Ambry Variant Classification Scheme 2023. Collection method: clinical testing. Allele origin: germline.
Comment: The p.I516M variant (also known as c.1548C>G), located in coding exon 4 of the MSH6 gene, results from a C to G substitution at nucleotide position 1548. The isoleucine at codon 516 is replaced by methionine, an amino acid with highly similar properties. This amino acid position is not well conserved in available vertebrate species. In addition, the in silico prediction for this alteration is inconclusive. Since supporting evidence is limited at this time, the clinical significance of this alteration remains unclear.